The following is an entry in ClinVar:

NM_004371.4(COPA):c.1292G>A (p.Arg431Gln)

Gene: COPA (coat protein complex I subunit alpha; minus strand). Cytogenetic location: 1q23.2.
Variant type: single nucleotide variant.
Coding change: c.1292G>A on transcript NM_004371.4 (MANE Select); coding-DNA position 1292, G replaced by A.
Protein change: p.Arg431Gln; replaces arginine 431 with glutamine.
Molecular consequence: missense variant.
Genome position (GRCh38, 1-based): chr1:160,307,173, C>T on the plus strand (G>A on the coding strand, the complement: COPA is on the minus strand). VCF-style: chr1-160307173-C-T. GRCh37 (hg19) VCF-style: chr1-160276963-C-T.
Other names: c.1292G>A (NM_001098398.1, NM_004371.3); c.1292G>A, p.Arg431Gln (NM_001098398.2); short protein forms R431Q.
Identifiers: ClinVar variation 1436563 (VCV001436563.8), dbSNP rs199634303, ClinGen allele CA1198134.
Genomic context (GRCh38, chr1:160,307,173, plus strand): 5'-CACTGCCACCACACTCCCCAAATTAGTTTCTGCTTTTAGTCTTAACTCACCGAATGCATC[C>T]GATCTAGGACAGCAAACCGATTTCGAGCGACCCAAACGGCTGTCAGGCCTGAGGATCGTT-3'
Protein context (NP_004362.2, residues 421-441): VARNRFAVLD[Arg431Gln]MHSLLIKNLK

ClinVar aggregate classification (germline): Conflicting classifications of pathogenicity. Review status: criteria provided, conflicting classifications (1 of 4 stars). 3 submissions from 3 submitters: Uncertain significance (1); Likely benign (1). 1 of the submissions does not count toward it. Last evaluated 2025-12-15.

Conditions:
Autoimmune interstitial lung disease-arthritis syndrome. Also called: Autoinflammation and autoimmunity, systemic, with immune dysregulation. Identifiers: Orphanet 444092, MedGen C5975714, MONDO:0014629.
Inborn genetic diseases. Identifiers: MedGen C0950123, MeSH D030342.
COPA-related disorder. Also called: COPA-related condition.

Allele frequency attached by ClinVar (database versions not stated): gnomAD exomes 0.00001 and 0.00002; ExAC 0.00002; gnomAD 0.00011; TOPMed 0.00025; 1000 Genomes Project 30x 0.00031; 1000 Genomes Project 0.00040.
gnomAD v4.1: 33 of 1,614,134 alleles (0.002%); highest among the groups gnomAD compares: Admixed American, 0.032%; no homozygotes.

Submissions (3):

Labcorp Genetics (formerly Invitae), Labcorp
Classification: Likely benign for Autoimmune interstitial lung disease-arthritis syndrome. Last evaluated: 2025-12-15. Review status: criteria provided, single submitter. Criteria: Invitae Variant Classification Sherloc (09022015). Collection method: clinical testing. Allele origin: germline.

Ambry Genetics
Classification: Uncertain significance for Inborn genetic diseases. Last evaluated: 2025-08-10. Review status: criteria provided, single submitter. Criteria: Ambry Variant Classification Scheme 2023. Collection method: clinical testing. Allele origin: germline.

PreventionGenetics, part of Exact Sciences
Classification: Uncertain significance for COPA-related condition. Last evaluated: 2024-07-23. Review status: no assertion criteria provided. Collection method: clinical testing. Allele origin: germline. Not counted in ClinVar's aggregate classification.
Comment: The COPA c.1292G>A variant is predicted to result in the amino acid substitution p.Arg431Gln. To our knowledge, this variant has not been reported in the literature. This variant is reported in 0.012% of alleles in individuals of Latino descent in gnomAD, which may be too common to be causative. Although we suspect that this variant may be benign, at this time, the clinical significance of this variant is uncertain due to the absence of conclusive functional and genetic evidence.